The following is an entry in ClinVar:

NM_170707.4(LMNA):c.730G>A (p.Ala244Thr)

Gene: LMNA (lamin A/C; plus strand). Cytogenetic location: 1q22.
Variant type: single nucleotide variant.
Coding change: c.730G>A on transcript NM_170707.4 (MANE Select); coding-DNA position 730, G replaced by A.
Protein change: p.Ala244Thr; replaces alanine 244 with threonine.
Molecular consequence: missense variant.
Genome position (GRCh38, 1-based): chr1:156,134,895, G>A. VCF-style: chr1-156134895-G-A. GRCh37 (hg19) VCF-style: chr1-156104686-G-A.
Other names: c.394G>A, p.Ala132Thr (NM_001257374.3); c.487G>A, p.Ala163Thr (NM_001282624.2); c.730G>A, p.Ala244Thr (NM_001282625.2, NM_001282626.2, NM_005572.4 and 1 more transcripts); short protein forms A244T, A132T, A163T.
Identifiers: ClinVar variation 191701 (VCV000191701.3), dbSNP rs201866557, ClinGen allele CA018505.
Genomic context (GRCh38, chr1:156,134,895, plus strand): 5'-ACCCGACTGGTGGAGATTGACAATGGGAAGCAGCGTGAGTTTGAGAGCCGGCTGGCGGAT[G>A]CGCTGCAGGAACTGCGGGCCCAGCATGAGGACCAGGTGGAGCAGTATAAGAAGGAGCTGG-3'
Protein context (NP_733821.1, residues 234-254): QREFESRLAD[Ala244Thr]LQELRAQHED

ClinVar aggregate classification (germline): Uncertain significance. Review status: criteria provided, multiple submitters, no conflicts (2 of 4 stars). 2 submissions from 2 submitters: Uncertain significance (2). Last evaluated 2024-08-29.

Conditions:
Charcot-Marie-Tooth disease type 2. Also called: Charcot-Marie-Tooth type 2. Identifiers: Orphanet 64746, MedGen C0270914, MONDO:0018993.

Submissions (2):

Labcorp Genetics (formerly Invitae), Labcorp
Classification: Uncertain significance for Charcot-Marie-Tooth disease type 2. Last evaluated: 2024-08-29. Review status: criteria provided, single submitter. Criteria: Invitae Variant Classification Sherloc (09022015). Collection method: clinical testing. Allele origin: germline.
Comment: This sequence change replaces alanine, which is neutral and non-polar, with threonine, which is neutral and polar, at codon 244 of the LMNA protein (p.Ala244Thr). This variant is not present in population databases (gnomAD no frequency). This missense change has been observed in individual(s) with dilated cardiomyopathy (PMID: 29095976). ClinVar contains an entry for this variant (Variation ID: 191701). Invitae Evidence Modeling of protein sequence and biophysical properties (such as structural, functional, and spatial information, amino acid conservation, physicochemical variation, residue mobility, and thermodynamic stability) indicates that this missense variant is expected to disrupt LMNA protein function with a positive predictive value of 95%. In summary, the available evidence is currently insufficient to determine the role of this variant in disease. Therefore, it has been classified as a Variant of Uncertain Significance.

Biesecker Lab/Clinical Genomics Section, National Institutes of Health
Classification: Uncertain significance. Last evaluated: 2013-06-24. Review status: criteria provided, single submitter. Criteria: Ng et al. (Circ Cardiovasc Genet. 2013). Collection method: research. Allele origin: unknown. Observed: 1 variant allele. Study: ClinSeq.
Comment: The study set was not selected for affection status in relation to any cancer. Pathogenicity categories were based on literature curation. See Pubmed ID:23861362 for details.

Medical sequencing

Literature cited by the submitters: PubMed 29095976 (cited by Labcorp Genetics (formerly Invitae), Labcorp).